The following is an entry in ClinVar:

ClinVar aggregate classification (germline): Uncertain significance. Review status: criteria provided, multiple submitters, no conflicts (2 of 4 stars). 2 submissions from 2 submitters: Uncertain significance (2). Last evaluated 2026-04-02.

gnomAD v4.1: 2 of 1,613,108 alleles (0.00012%); highest among the groups gnomAD compares: Non-Finnish European, 0.00017%; no homozygotes.

Submissions (2):

GeneDx
Classification: Uncertain significance. Last evaluated: 2026-04-02. Review status: criteria provided, single submitter. Criteria: GeneDx Variant Classification Process June 2021. Collection method: clinical testing. Allele origin: germline.
Comment: Not observed at significant frequency in large population cohorts (gnomAD); In silico analysis supports that this missense variant has a deleterious effect on protein structure/function; Has not been previously published as pathogenic or benign to our knowledge

Greenwood Genetic Center Diagnostic Laboratories, Greenwood Genetic Center
Classification: Uncertain significance. Last evaluated: 2023-06-20. Review status: criteria provided, single submitter. Criteria: ACMG Guidelines, 2015. Collection method: clinical testing. Allele origin: germline. Affected: yes.
Comment: PM2

NM_020338.4(ZMIZ1):c.1175G>C (p.Gly392Ala)

Gene: ZMIZ1 (zinc finger MIZ-type containing 1; plus strand). Cytogenetic location: 10q22.3.
Variant type: single nucleotide variant.
Coding change: c.1175G>C on transcript NM_020338.4 (MANE Select); coding-DNA position 1175, G replaced by C.
Protein change: p.Gly392Ala; replaces glycine 392 with alanine.
Molecular consequence: missense variant.
Genome position (GRCh38, 1-based): chr10:79,293,598, G>C. VCF-style: chr10-79293598-G-C. GRCh37 (hg19) VCF-style: chr10-81053355-G-C.
Other names: c.1175G>C (NM_020338.3); short protein forms G392A.
Identifiers: ClinVar variation 2572281 (VCV002572281.2), dbSNP rs745657826, ClinGen allele CA377334989.
Genomic context (GRCh38, chr10:79,293,598, plus strand): 5'-CGCCCGGCATCAGCCCCTTTGGCACACACGGGCAGCGGATGCCCCAGCAGACCTACCCGG[G>C]CCCCCGGCCCCAGTCCCTTCCTATTCAGAACATAAAGAGGCCATACCCTGGAGAGGTGAG-3'
Protein context (NP_065071.1, residues 382-402): GQRMPQQTYP[Gly392Ala]PRPQSLPIQN